The following is an entry in ClinVar:

ClinVar aggregate classification (germline): Uncertain significance (1 of 4 stars; one submission).

Conditions:
Progressive myoclonic epilepsy type 3. Also called: KCTD7-Related Progressive Myoclonic Epilepsy; EPILEPSY, PROGRESSIVE MYOCLONIC, 3, WITH OR WITHOUT INTRACELLULAR INCLUSIONS; CEROID LIPOFUSCINOSIS, NEURONAL, 14; EPILEPSY, PROGRESSIVE MYOCLONIC, 3, WITHOUT INTRACELLULAR INCLUSIONS. Identifiers: Orphanet 263516, MedGen C2673257, MONDO:0012721, OMIM 611726.

Allele frequency attached by ClinVar (database versions not stated): ExAC 0.00001.
gnomAD v4.1: 2 of 1,613,872 alleles (0.00012%); highest among the groups gnomAD compares: Non-Finnish European, 0.00017%; no homozygotes.

Submission:

Labcorp Genetics (formerly Invitae), Labcorp
Classification: Uncertain significance for Progressive myoclonic epilepsy type 3. Last evaluated: 2022-08-15. Review status: criteria provided, single submitter. Criteria: Invitae Variant Classification Sherloc (09022015). Collection method: clinical testing. Allele origin: germline.
Comment: This sequence change replaces aspartic acid, which is acidic and polar, with glycine, which is neutral and non-polar, at codon 165 of the KCTD7 protein (p.Asp165Gly). This variant is present in population databases (rs747689300, gnomAD 0.0009%). This variant has not been reported in the literature in individuals affected with KCTD7-related conditions. Algorithms developed to predict the effect of missense changes on protein structure and function are either unavailable or do not agree on the potential impact of this missense change (SIFT: "Deleterious"; PolyPhen-2: "Benign"; Align-GVGD: "Class C15"). In summary, the available evidence is currently insufficient to determine the role of this variant in disease. Therefore, it has been classified as a Variant of Uncertain Significance.

NM_153033.5(KCTD7):c.494A>G (p.Asp165Gly)

Gene: KCTD7 (potassium channel tetramerization domain containing 7; plus strand). Cytogenetic location: 7q11.21.
Variant type: single nucleotide variant.
Coding change: c.494A>G on transcript NM_153033.5 (MANE Select); coding-DNA position 494, A replaced by G.
Protein change: p.Asp165Gly; replaces aspartic acid 165 with glycine.
Molecular consequence: missense variant.
Genome position (GRCh38, 1-based): chr7:66,638,856, A>G. VCF-style: chr7-66638856-A-G. GRCh37 (hg19) VCF-style: chr7-66103843-A-G.
Other names: c.494A>G, p.Asp165Gly (NM_001167961.2); short protein forms D165G.
Identifiers: ClinVar variation 2005793 (VCV002005793.4), dbSNP rs747689300, ClinGen allele CA4278278.